The following is an entry in ClinVar:

ClinVar aggregate classification (germline): Uncertain significance (1 of 4 stars; one submission).

Conditions:
Familial acute necrotizing encephalopathy (IIAE3). Also called: ENCEPHALOPATHY, ACUTE, INFECTION-INDUCED, SUSCEPTIBILITY TO, 3; Susceptibility to Acute Necrotizing Encephalopathy 1. Identifiers: Orphanet 88619, MedGen C2675556, MONDO:0011953, OMIM 608033.

gnomAD v4.1: 3 of 1,611,970 alleles (0.00019%); highest among the groups gnomAD compares: Admixed American, 0.0017%; no homozygotes.

Submission:

Labcorp Genetics (formerly Invitae), Labcorp
Classification: Uncertain significance for Familial acute necrotizing encephalopathy. Last evaluated: 2020-06-18. Review status: criteria provided, single submitter. Criteria: Invitae Variant Classification Sherloc (09022015). Collection method: clinical testing. Allele origin: germline.
Comment: In summary, the available evidence is currently insufficient to determine the role of this variant in disease. Therefore, it has been classified as a Variant of Uncertain Significance. Algorithms developed to predict the effect of missense changes on protein structure and function are either unavailable or do not agree on the potential impact of this missense change (SIFT: "Deleterious"; PolyPhen-2: "Benign"; Align-GVGD: "Class C15"). This variant has not been reported in the literature in individuals with RANBP2-related conditions. This variant is not present in population databases (ExAC no frequency). This sequence change replaces glycine with valine at codon 1929 of the RANBP2 protein (p.Gly1929Val). The glycine residue is moderately conserved and there is a moderate physicochemical difference between glycine and valine.

NM_006267.5(RANBP2):c.5786G>T (p.Gly1929Val)

Gene: RANBP2 (RAN binding protein 2; plus strand). Cytogenetic location: 2q13.
Variant type: single nucleotide variant.
Coding change: c.5786G>T on transcript NM_006267.5 (MANE Select); coding-DNA position 5786, G replaced by T.
Protein change: p.Gly1929Val; replaces glycine 1929 with valine.
Molecular consequence: missense variant.
Genome position (GRCh38, 1-based): chr2:108,766,325, G>T. VCF-style: chr2-108766325-G-T. GRCh37 (hg19) VCF-style: chr2-109382781-G-T.
Other names: short protein forms G1929V.
Identifiers: ClinVar variation 1060424 (VCV001060424.10), dbSNP rs778007786, ClinGen allele CA348073837.